The following is an entry in ClinVar:

NM_000135.4(FANCA):c.2222+4A>G

Gene: FANCA (FA complementation group A; minus strand). Cytogenetic location: 16q24.3.
Variant type: single nucleotide variant.
Coding change: c.2222+4A>G on transcript NM_000135.4 (MANE Select); 4 bases into the intron after coding-DNA position 2222, A replaced by G.
Molecular consequence: intron variant.
Genome position (GRCh38, 1-based): chr16:89,770,560, T>C on the plus strand (A>G on the coding strand, the complement: FANCA is on the minus strand). VCF-style: chr16-89770560-T-C. GRCh37 (hg19) VCF-style: chr16-89836968-T-C.
Other names: c.2222+4A>G (NM_001286167.3, NM_000135.3).
Identifiers: ClinVar variation 1927130 (VCV001927130.3), dbSNP rs1476298863, ClinGen allele CA624249338.

ClinVar aggregate classification (germline): Uncertain significance. Review status: criteria provided, multiple submitters, no conflicts (2 of 4 stars). 2 submissions from 2 submitters: Uncertain significance (2). Last evaluated 2022-11-17.

Conditions:
Fanconi anemia (FA). Also called: Fanconi's anemia. Identifiers: Orphanet 84, MedGen C0015625, MeSH D005199, MONDO:0019391.

Allele frequency attached by ClinVar (database versions not stated): gnomAD exomes below 0.00001; TOPMed below 0.00001; gnomAD 0.00002.
gnomAD v4.1: 7 of 1,606,246 alleles (0.00044%); highest among the groups gnomAD compares: Non-Finnish European, 0.00051%; no homozygotes.

Submissions (2):

Quest Diagnostics Nichols Institute San Juan Capistrano
Classification: Uncertain significance. Last evaluated: 2022-11-17. Review status: criteria provided, single submitter. Criteria: Quest Diagnostics criteria. Collection method: clinical testing. Allele origin: unknown.
Comment: This variant has not been reported in the published literature. The frequency of this variant in the general population, 0.000032 (1/31384 chromosomes), is uninformative in assessment of its pathogenicity. Analysis of this variant using software algorithms for the prediction of the effect of nucleotide changes on splicing yielded predictions that this variant may affect proper FANCA mRNA splicing . Based on the available information, we are unable to determine the clinical significance of this variant.

Labcorp Genetics (formerly Invitae), Labcorp
Classification: Uncertain significance for Fanconi anemia. Last evaluated: 2021-05-17. Review status: criteria provided, single submitter. Criteria: Invitae Variant Classification Sherloc (09022015). Collection method: clinical testing. Allele origin: germline.
Comment: This sequence change falls in intron 24 of the FANCA gene. It does not directly change the encoded amino acid sequence of the FANCA protein. It affects a nucleotide within the consensus splice site of the intron. This variant is not present in population databases (ExAC no frequency). This variant has not been reported in the literature in individuals with FANCA-related conditions. Nucleotide substitutions within the consensus splice site are a relatively common cause of aberrant splicing (PMID: 17576681, 9536098). Algorithms developed to predict the effect of sequence changes on RNA splicing suggest that this variant may disrupt the consensus splice site, but this prediction has not been confirmed by published transcriptional studies. In summary, the available evidence is currently insufficient to determine the role of this variant in disease. Therefore, it has been classified as a Variant of Uncertain Significance.

Literature cited by the submitters: PubMed 17576681 (cited by Labcorp Genetics (formerly Invitae), Labcorp); PubMed 9536098 (cited by Labcorp Genetics (formerly Invitae), Labcorp).